The following is an entry in ClinVar:

NM_004448.4(ERBB2):c.3375T>A (p.Asp1125Glu)

Gene: ERBB2 (erb-b2 receptor tyrosine kinase 2; plus strand). Cytogenetic location: 17q12.
Variant type: single nucleotide variant.
Coding change: c.3375T>A on transcript NM_004448.4 (MANE Select); coding-DNA position 3375, T replaced by A.
Protein change: p.Asp1125Glu; replaces aspartic acid 1125 with glutamic acid.
Molecular consequence: missense variant. On other transcripts: non-coding transcript variant (1), intron variant (2).
Genome position (GRCh38, 1-based): chr17:39,727,510, T>A. VCF-style: chr17-39727510-T-A. GRCh37 (hg19) VCF-style: chr17-37883763-T-A.
Other names: c.3285T>A, p.Asp1095Glu (NM_001005862.3, NM_001382782.1, NM_001382783.1); c.3330T>A, p.Asp1110Glu (NM_001289936.2); c.3492T>A, p.Asp1164Glu (NM_001382784.1); c.3477T>A, p.Asp1159Glu (NM_001382785.1); c.3456T>A, p.Asp1152Glu (NM_001382786.1); c.3450T>A, p.Asp1150Glu (NM_001382787.1); c.3405T>A, p.Asp1135Glu (NM_001382788.1); c.3396T>A, p.Asp1132Glu (NM_001382789.1); and 17 more; short protein forms D1095E, D1110E, D1125E, D1039E, D1057E, D1063E, D1065E, D1073E.
Identifiers: ClinVar variation 853330 (VCV000853330.6), dbSNP rs148211805, ClinGen allele CA8534529.

ClinVar aggregate classification (germline): Uncertain significance (1 of 4 stars; one submission).

Allele frequency attached by ClinVar (database versions not stated): TOPMed 0.00020; ESP Exome Variant Server 0.00023; gnomAD 0.00024 and 0.00025.
gnomAD v4.1: 559 of 1,607,566 alleles (0.035%); highest among the groups gnomAD compares: Non-Finnish European, 0.044%; 1 homozygote.

Submission:

Labcorp Genetics (formerly Invitae), Labcorp
Classification: Uncertain significance. Last evaluated: 2025-04-23. Review status: criteria provided, single submitter. Criteria: Invitae Variant Classification Sherloc (09022015). Collection method: clinical testing. Allele origin: germline.
Comment: This sequence change replaces aspartic acid, which is acidic and polar, with glutamic acid, which is acidic and polar, at codon 1125 of the ERBB2 protein (p.Asp1125Glu). This variant is present in population databases (rs148211805, gnomAD 0.05%), and has an allele count higher than expected for a pathogenic variant. This variant has not been reported in the literature in individuals affected with ERBB2-related conditions. ClinVar contains an entry for this variant (Variation ID: 853330). An algorithm developed to predict the effect of missense changes on protein structure and function (PolyPhen-2) suggests that this variant is likely to be tolerated. In summary, the available evidence is currently insufficient to determine the role of this variant in disease. Therefore, it has been classified as a Variant of Uncertain Significance.